The following is an entry in ClinVar:

ClinVar aggregate classification (germline): Pathogenic. Review status: criteria provided, single submitter (1 of 4 stars). 3 submissions from 3 submitters: Pathogenic (1). 2 of the submissions do not count toward it. Last evaluated 2023-10-28.

Conditions:
Argininosuccinate lyase deficiency. Also called: Argininosuccinic aciduria; ARGININOSUCCINIC ACID LYASE DEFICIENCY; ASL DEFICIENCY. Identifiers: Orphanet 23, MedGen C0268547, MONDO:0008815, OMIM 207900, HP:0025630.

Allele frequency attached by ClinVar (database versions not stated): gnomAD exomes 0.00001.
gnomAD v4.1: 8 of 1,613,458 alleles (0.0005%); highest among the groups gnomAD compares: African/African-American, 0.0013%; no homozygotes.

Submissions (3):

Labcorp Genetics (formerly Invitae), Labcorp
Classification: Pathogenic for Argininosuccinate lyase deficiency. Last evaluated: 2023-10-28. Review status: criteria provided, single submitter. Criteria: Invitae Variant Classification Sherloc (09022015). Collection method: clinical testing. Allele origin: germline.
Comment: This sequence change replaces methionine, which is neutral and non-polar, with threonine, which is neutral and polar, at codon 360 of the ASL protein (p.Met360Thr). This variant is not present in population databases (gnomAD no frequency). This missense change has been observed in individual(s) with argininosuccinate lyase deficiency (Invitae). In at least one individual the data is consistent with being in trans (on the opposite chromosome) from a pathogenic variant. ClinVar contains an entry for this variant (Variation ID: 226414). Advanced modeling of protein sequence and biophysical properties (such as structural, functional, and spatial information, amino acid conservation, physicochemical variation, residue mobility, and thermodynamic stability) performed at Invitae indicates that this missense variant is expected to disrupt ASL protein function with a positive predictive value of 95%. Experimental studies have shown that this missense change affects ASL function (PMID: 11747433). For these reasons, this variant has been classified as Pathogenic.

Counsyl
Classification: Uncertain significance for Argininosuccinate lyase deficiency. Last evaluated: 2018-04-09. Review status: no assertion criteria provided. Collection method: clinical testing. Allele origin: unknown. Not counted in ClinVar's aggregate classification.

Genomic Research Center, Shahid Beheshti University of Medical Sciences
Classification: Pathogenic for Argininosuccinate lyase deficiency. Last evaluated: 2016-05-09. Review status: no assertion criteria provided. Collection method: clinical testing. Allele origin: inherited. Affected: yes. Observed: 1 variant allele. Not counted in ClinVar's aggregate classification.

Literature cited by the submitters: PubMed 11747433 (cited by Labcorp Genetics (formerly Invitae), Labcorp and Counsyl); PubMed 24166829 (cited by Counsyl).

NM_000048.4(ASL):c.1079T>C (p.Met360Thr)

Gene: ASL (argininosuccinate lyase; plus strand). Cytogenetic location: 7q11.21.
Variant type: single nucleotide variant.
Coding change: c.1079T>C on transcript NM_000048.4 (MANE Select); coding-DNA position 1079, T replaced by C.
Protein change: p.Met360Thr; replaces methionine 360 with threonine.
Molecular consequence: missense variant.
Genome position (GRCh38, 1-based): chr7:66,092,022, T>C. VCF-style: chr7-66092022-T-C. GRCh37 (hg19) VCF-style: chr7-65557009-T-C.
Other names: c.1079T>C, p.Met360Thr (NM_001024943.2); c.1019T>C, p.Met340Thr (NM_001024944.2); c.1001T>C, p.Met334Thr (NM_001024946.2); short protein forms M360T, M334T, M340T.
Identifiers: ClinVar variation 226414 (VCV000226414.11), dbSNP rs875989948, ClinGen allele CA10576340.